The following is an entry in ClinVar:

ClinVar aggregate classification (germline): Conflicting classifications of pathogenicity. Review status: criteria provided, conflicting classifications (1 of 4 stars). 8 submissions from 8 submitters: Uncertain significance (7); Likely benign (1). Last evaluated 2026-03-05.

Conditions:
COL6A3-related disorder. Also called: COL6A3-related condition; COL6A3-related disorders.
Inborn genetic diseases. Identifiers: MedGen C0950123, MeSH D030342.
Bethlem myopathy 1A. Also called: MYOPATHY, BENIGN CONGENITAL, WITH CONTRACTURES; Bethlem myopathy 1; Bethlem Muscular Dystrophy. Identifiers: Orphanet 610, MedGen CN029274, MONDO:0024530, OMIM 158810.
Bethlem myopathy 1C (BTHLM1C). Identifiers: MedGen C5935581, MONDO:0958234, OMIM 620726.
Ullrich congenital muscular dystrophy 1A. Also called: Ullrich congenital muscular dystrophy 1; Intermediate COL6-RD. Identifiers: Orphanet 75840, MedGen C0410179, MONDO:0009681, OMIM 254090.

Allele frequency attached by ClinVar (database versions not stated): ExAC 0.00012; 1000 Genomes Project 30x 0.00016; 1000 Genomes Project 0.00020; TOPMed 0.00025; ESP Exome Variant Server 0.00031.
gnomAD v4.1: 123 of 1,613,918 alleles (0.0076%); highest among the groups gnomAD compares: African/African-American, 0.097%; no homozygotes.

Submissions (8):

Mendelics
Classification: Uncertain significance for Bethlem myopathy 1C. Last evaluated: 2026-03-05. Review status: criteria provided, single submitter. Criteria: ACMG Guidelines, 2015. Collection method: clinical testing. Allele origin: unknown.
Comment: The available evidence is insufficient to conclusively determine the role of this variant. Therefore, it is classified as a Variant of Uncertain Significance.

Labcorp Genetics (formerly Invitae), Labcorp
Classification: Likely benign for Bethlem myopathy 1A. Last evaluated: 2026-01-08. Review status: criteria provided, single submitter. Criteria: Invitae Variant Classification Sherloc (09022015). Collection method: clinical testing. Allele origin: germline.

Ambry Genetics
Classification: Uncertain significance for Inborn genetic diseases. Last evaluated: 2025-03-28. Review status: criteria provided, single submitter. Criteria: Ambry Variant Classification Scheme 2023. Collection method: clinical testing. Allele origin: germline.

PreventionGenetics, part of Exact Sciences
Classification: Uncertain significance for COL6A3-related condition. Last evaluated: 2024-12-12. Review status: criteria provided, single submitter. Criteria: ACMG Guidelines, 2015. Collection method: clinical testing. Allele origin: germline.
Comment: The COL6A3 c.3199G>A variant is predicted to result in the amino acid substitution p.Val1067Met. To our knowledge, this variant has not been reported in the literature. This variant is reported in 0.080% of alleles in individuals of African descent in gnomAD, which is likely too common for an undocumented disease-causing variant. Although we suspect that this variant may be benign, at this time, the clinical significance of this variant is uncertain due to the absence of conclusive functional and genetic evidence.

Revvity Omics, Revvity
Classification: Uncertain significance. Last evaluated: 2024-10-04. Review status: criteria provided, single submitter. Criteria: ACMG Guidelines, 2015. Collection method: clinical testing. Allele origin: germline.

GeneDx
Classification: Uncertain significance. Last evaluated: 2021-03-17. Review status: criteria provided, single submitter. Criteria: GeneDx Variant Classification Process June 2021. Collection method: clinical testing. Allele origin: germline. Affected: yes.
Comment: In silico analysis supports that this missense variant does not alter protein structure/function; Has not been previously published as pathogenic or benign to our knowledge

Baylor Genetics
Classification: Uncertain significance for Ullrich congenital muscular dystrophy 1A. Last evaluated: 2019-12-13. Review status: criteria provided, single submitter. Criteria: ACMG Guidelines, 2015. Collection method: clinical testing. Allele origin: unknown. Affected: yes.
Comment: This variant was determined to be of uncertain significance according to ACMG Guidelines, 2015 [PMID:25741868].

Eurofins Ntd Llc (ga)
Classification: Uncertain significance. Last evaluated: 2015-11-03. Review status: criteria provided, single submitter. Criteria: EGL Classification Definitions 2015. Collection method: clinical testing. Allele origin: germline. Observed: 1 variant allele, 1 heterozygote.

NM_004369.4(COL6A3):c.3199G>A (p.Val1067Met)

Gene: COL6A3 (collagen type VI alpha 3 chain; minus strand). Cytogenetic location: 2q37.3.
Variant type: single nucleotide variant.
Coding change: c.3199G>A on transcript NM_004369.4 (MANE Select); coding-DNA position 3199, G replaced by A.
Protein change: p.Val1067Met; replaces valine 1067 with methionine.
Molecular consequence: missense variant.
Genome position (GRCh38, 1-based): chr2:237,374,892, C>T on the plus strand (G>A on the coding strand, the complement: COL6A3 is on the minus strand). VCF-style: chr2-237374892-C-T. GRCh37 (hg19) VCF-style: chr2-238283535-C-T.
Other names: c.1978G>A, p.Val660Met (NM_057164.5); c.2581G>A, p.Val861Met (NM_057165.5, NM_057167.4); c.1378G>A, p.Val460Met (NM_057166.5); short protein forms V1067M, V660M, V460M, V861M.
Identifiers: ClinVar variation 284121 (VCV000284121.25), dbSNP rs148175795, ClinGen allele CA2189218.
Genomic context (GRCh38, chr2:237,374,892, plus strand): 5'-TCATGTATGAATTCAGGTAGAACTCGGGCCTGGTCCGGTCGCTGTACTGCACCACGGCCA[C>T]GCGGACCCGGTCCTGGCCCACATCCAGGCTTTCCACCACTCTCTGGACAAACTCTTTCAA-3'
Protein context (NP_004360.2, residues 1057-1077): SLDVGQDRVR[Val1067Met]AVVQYSDRTR